The following is an entry in ClinVar:

NM_001845.6(COL4A1):c.3569A>G (p.Glu1190Gly)

Gene: COL4A1 (collagen type IV alpha 1 chain; minus strand). Cytogenetic location: 13q34.
Variant type: single nucleotide variant.
Coding change: c.3569A>G on transcript NM_001845.6 (MANE Select); coding-DNA position 3569, A replaced by G.
Protein change: p.Glu1190Gly; replaces glutamic acid 1190 with glycine.
Molecular consequence: missense variant.
Genome position (GRCh38, 1-based): chr13:110,170,720, T>C on the plus strand (A>G on the coding strand, the complement: COL4A1 is on the minus strand). VCF-style: chr13-110170720-T-C. GRCh37 (hg19) VCF-style: chr13-110823067-T-C.
Other names: short protein forms E1190G.
Identifiers: ClinVar variation 3242441 (VCV003242441.2), dbSNP rs773217097.

ClinVar aggregate classification (germline): Uncertain significance (1 of 4 stars; one submission).

Conditions:
Microangiopathy and leukoencephalopathy, pontine, autosomal dominant. Also called: DEMENTIA, HEREDITARY MULTI-INFARCT, SWEDISH TYPE; Pontine autosomal dominant microangiopathy with leukoencephalopathy. Identifiers: Orphanet 477749, MedGen C5231411, MONDO:0032814, OMIM 618564.

Allele frequency attached by ClinVar (database versions not stated): gnomAD exomes 0.00001; ExAC 0.00002.
gnomAD v4.1: 4 of 1,614,200 alleles (0.00025%); highest among the groups gnomAD compares: Non-Finnish European, 0.00034%; no homozygotes.

Submission:

Institute of Human Genetics, University of Goettingen
Classification: Uncertain significance for Microangiopathy and leukoencephalopathy, pontine, autosomal dominant. Review status: criteria provided, single submitter. Criteria: ACMG Guidelines, 2015. Collection method: clinical testing. Allele origin: unknown. Inheritance: Autosomal dominant inheritance.
Comment: The variant c.3569A>G (p.(Glu1190Gly)) in exon 42 of the COL4A1-gene is found at a very low frequency in the gnomAD database (< 0.0003%), it affects a moderately conserved nucleotide and a moderately conserved amino acid within a protein domain and there is a moderate physicochemical difference between Glu and Gly. This genomic region has a high prevalence of pathogenic variants. In silico prediction programs show a differing verdict concerning the influence of this variant regarding protein function. To our knowledge, this variant has not been described in the literature yet. ACMG criteria used for classification: PM1, PM2_sup, PP2.